The following is an entry in ClinVar:

ClinVar aggregate classification (germline): Uncertain significance. Review status: criteria provided, multiple submitters, no conflicts (2 of 4 stars). 11 submissions from 11 submitters: Uncertain significance (10). 1 of the submissions does not count toward it. Last evaluated 2025-04-01.

Conditions:
Hereditary cancer-predisposing syndrome. Also called: Hereditary neoplastic syndrome; Hereditary Cancer Syndrome; Neoplastic Syndromes, Hereditary; Tumor predisposition. Identifiers: Orphanet 140162, MedGen C0027672, MeSH D009386, MONDO:0015356.
Ataxia-telangiectasia syndrome (AT). Also called: Ataxia-telangiectasia, complementation group D; Cerebello-oculocutaneous telangiectasia; Immunodeficiency with ataxia telangiectasia; ATAXIA-TELANGIECTASIA, COMPLEMENTATION GROUP A; ATAXIA-TELANGIECTASIA, FRESNO VARIANT; LOUIS-BAR SYNDROME. Identifiers: Orphanet 100, MedGen C0004135, MONDO:0008840, OMIM 208900.
Familial cancer of breast. Also called: hereditary breast carcinoma; Hereditary breast cancer; BREAST CANCER, FAMILIAL. Identifiers: Orphanet 227535, MedGen C0346153, MONDO:0016419, OMIM 114480. Disease mechanism: loss of function.
Familial colorectal cancer type X. Identifiers: Orphanet 440437, MedGen C3896578, MONDO:0018604.

gnomAD v4.1: 21 of 1,606,850 alleles (0.0013%); highest among the groups gnomAD compares: African/African-American, 0.012%; no homozygotes.

Submissions (11):

Ambry Genetics
Classification: Uncertain significance for Hereditary cancer-predisposing syndrome. Last evaluated: 2025-04-01. Review status: criteria provided, single submitter. Criteria: Ambry Variant Classification Scheme 2023. Collection method: clinical testing. Allele origin: germline.
Comment: The p.R717Q variant (also known as c.2150G>A), located in coding exon 13 of the ATM gene, results from a G to A substitution at nucleotide position 2150. The arginine at codon 717 is replaced by glutamine, an amino acid with highly similar properties. One study detected this alteration in 1/141 unrelated Indian patients and families with breast and/or ovarian cancer (Mannan AU et al. J. Hum. Genet., 2016 Jun;61:515-22). This amino acid position is well conserved in available vertebrate species. In addition, this alteration is predicted to be tolerated by in silico analysis. Based on the available evidence, the clinical significance of this variant remains unclear.

Labcorp Genetics (formerly Invitae), Labcorp
Classification: Uncertain significance for Ataxia-telangiectasia syndrome. Last evaluated: 2024-11-25. Review status: criteria provided, single submitter. Criteria: Invitae Variant Classification Sherloc (09022015). Collection method: clinical testing. Allele origin: germline.
Comment: This sequence change replaces arginine, which is basic and polar, with glutamine, which is neutral and polar, at codon 717 of the ATM protein (p.Arg717Gln). This variant is present in population databases (rs768874297, gnomAD 0.007%). This missense change has been observed in individual(s) with breast cancer (PMID: 26911350). ClinVar contains an entry for this variant (Variation ID: 420250). Invitae Evidence Modeling of protein sequence and biophysical properties (such as structural, functional, and spatial information, amino acid conservation, physicochemical variation, residue mobility, and thermodynamic stability) indicates that this missense variant is not expected to disrupt ATM protein function with a negative predictive value of 95%. RNA analysis performed to evaluate the impact of this missense change on mRNA splicing indicates it does not significantly alter splicing (internal data). In summary, the available evidence is currently insufficient to determine the role of this variant in disease. Therefore, it has been classified as a Variant of Uncertain Significance.

Department of Pathology and Laboratory Medicine, Sinai Health System
Classification: Uncertain significance for Familial colorectal cancer type X. Last evaluated: 2024-01-02. Review status: criteria provided, single submitter. Criteria: ACMG Guidelines, 2015. Collection method: clinical testing. Allele origin: germline. Affected: yes.

Quest Diagnostics Nichols Institute San Juan Capistrano
Classification: Uncertain significance. Last evaluated: 2023-12-27. Review status: criteria provided, single submitter. Criteria: Quest Diagnostics criteria. Collection method: clinical testing. Allele origin: unknown.

GeneDx
Classification: Uncertain significance. Last evaluated: 2023-11-07. Review status: criteria provided, single submitter. Criteria: GeneDx Variant Classification Process June 2021. Collection method: clinical testing. Allele origin: germline. Affected: yes.
Comment: Not observed at significant frequency in large population cohorts (gnomAD); In silico analysis supports that this missense variant does not alter protein structure/function; In silico analysis suggests this variant may impact gene splicing. In the absence of RNA/functional studies, the actual effect of this sequence change is unknown; Observed in individuals with a personal and/or family history of breast or prostate cancer (PMID: 31871109, 26911350, 31214711); This variant is associated with the following publications: (PMID: 31871109, 26911350, 31214711)

Baylor Genetics
Classification: Uncertain significance for Familial cancer of breast. Last evaluated: 2023-09-25. Review status: criteria provided, single submitter. Criteria: ACMG Guidelines, 2015. Collection method: clinical testing. Allele origin: unknown.

KCCC/NGS Laboratory, Kuwait Cancer Control Center
Classification: Uncertain significance for Familial cancer of breast. Last evaluated: 2023-07-07. Review status: criteria provided, single submitter. Criteria: ACMG Guidelines, 2015. Collection method: clinical testing. Allele origin: unknown. Affected: yes.
Comment: This sequence change replaces methionine with valine at codon 732 of the ATM protein (p.Met732Val). The methionine residue is weakly conserved and there is a small physicochemical difference between methionine and valine. This variant is not present in population databases (ExAC no frequency). This variant has not been reported in the literature in individuals with ATM-related disease. Algorithms developed to predict the effect of missense changes on protein structure and function output the following: SIFT: "Tolerated"; PolyPhen-2: "Benign"; Align-GVGD: "Class C0". The valine amino acid residue is found in multiple mammalian species, suggesting that this missense change does not adversely affect protein function. These predictions have not been confirmed by published functional studies and their clinical significance is uncertain. Algorithms developed to predict the effect of sequence changes on RNA splicing suggest that this variant may create or strengthen a splice site, but this prediction has not been confirmed by published transcriptional studies. In summary, the available evidence is currently insufficient to determine the role of this variant in disease. Therefore, it has been classified as a Variant of Uncertain Significance.

Fulgent Genetics
Classification: Uncertain significance for Familial cancer of breast; Ataxia-telangiectasia syndrome. Last evaluated: 2022-05-24. Review status: criteria provided, single submitter. Criteria: ACMG Guidelines, 2015. Collection method: clinical testing. Allele origin: unknown.

Color Diagnostics, LLC DBA Color Health
Classification: Uncertain significance for Hereditary cancer-predisposing syndrome. Last evaluated: 2020-11-23. Review status: criteria provided, single submitter. Criteria: ACMG Guidelines, 2015. Collection method: clinical testing. Allele origin: germline.
Comment: This missense variant replaces arginine with glutamine at codon 717 of the ATM protein. Computational prediction suggests that this variant may not impact protein structure and function (internally defined REVEL score threshold <= 0.5, PMID: 27666373). To our knowledge, functional studies have not been reported for this variant. This variant has been reported in an individual affected with breast cancer (PMID: 26911350). This variant has been identified in 5/250664 chromosomes in the general population by the Genome Aggregation Database (gnomAD). The available evidence is insufficient to determine the role of this variant in disease conclusively. Therefore, this variant is classified as a Variant of Uncertain Significance.

Genetic Services Laboratory, University of Chicago
Classification: Uncertain significance. Last evaluated: 2018-04-06. Review status: criteria provided, single submitter. Criteria: ACMG Guidelines, 2015. Collection method: clinical testing. Allele origin: germline. Affected: no.

Natera, Inc.
Classification: Uncertain significance for Ataxia-telangiectasia. Last evaluated: 2020-02-17. Review status: no assertion criteria provided. Collection method: clinical testing. Allele origin: germline. Not counted in ClinVar's aggregate classification.

Literature cited by the submitters: PubMed 26911350 (cited by 4 submitters); PubMed 31214711 (cited by Ambry Genetics and Quest Diagnostics Nichols Institute San Juan Capistrano); PubMed 31871109 (cited by 3 submitters); PubMed 33471991 (cited by Department of Pathology and Laboratory Medicine, Sinai Health System and Quest Diagnostics Nichols Institute San Juan Capistrano); PubMed 35534704 (cited by Quest Diagnostics Nichols Institute San Juan Capistrano).

NM_000051.4(ATM):c.2150G>A (p.Arg717Gln)

Gene: ATM (ATM serine/threonine kinase; plus strand). Cytogenetic location: 11q22.3.
Variant type: single nucleotide variant.
Coding change: c.2150G>A on transcript NM_000051.4 (MANE Select); coding-DNA position 2150, G replaced by A.
Protein change: p.Arg717Gln; replaces arginine 717 with glutamine.
Molecular consequence: missense variant.
Genome position (GRCh38, 1-based): chr11:108,256,240, G>A. VCF-style: chr11-108256240-G-A. GRCh37 (hg19) VCF-style: chr11-108126967-G-A.
Other names: c.2150G>A, p.Arg717Gln (NM_001351834.2); c.2150G>A (NM_000051.1); short protein forms R717Q.
Identifiers: ClinVar variation 420250 (VCV000420250.35), dbSNP rs768874297, ClinGen allele CA6264956.
Genomic context (GRCh38, chr11:108,256,240, plus strand): 5'-AAATATATATATTTTTATTTGTGGTTTACTTTAAGATTACAAATTCAGAAACTCTTGTCC[G>A]GTGTTCACGTCTTTTGGTGGGTGTCCTTGGCTGCTACTGTTACATGGGTGTAATAGCTGA-3'
Protein context (NP_000042.3, residues 707-727): SEITNSETLV[Arg717Gln]CSRLLVGVLG